The following is an entry in ClinVar:

ClinVar aggregate classification (germline): Uncertain significance (1 of 4 stars; one submission).

Submission:

Labcorp Genetics (formerly Invitae), Labcorp
Classification: Uncertain significance. Last evaluated: 2024-07-06. Review status: criteria provided, single submitter. Criteria: Invitae Variant Classification Sherloc (09022015). Collection method: clinical testing. Allele origin: germline.
Comment: This sequence change replaces alanine, which is neutral and non-polar, with valine, which is neutral and non-polar, at codon 1484 of the CACNA1F protein (p.Ala1484Val). This variant is not present in population databases (gnomAD no frequency). This variant has not been reported in the literature in individuals affected with CACNA1F-related conditions. Advanced modeling of protein sequence and biophysical properties (such as structural, functional, and spatial information, amino acid conservation, physicochemical variation, residue mobility, and thermodynamic stability) performed at Invitae indicates that this missense variant is not expected to disrupt CACNA1F protein function with a negative predictive value of 80%. In summary, the available evidence is currently insufficient to determine the role of this variant in disease. Therefore, it has been classified as a Variant of Uncertain Significance.

NM_001256789.3(CACNA1F):c.4418C>T (p.Ala1473Val)

Gene: CACNA1F (calcium voltage-gated channel subunit alpha1 F; minus strand). Cytogenetic location: Xp11.23.
Variant type: single nucleotide variant.
Coding change: c.4418C>T on transcript NM_001256789.3 (MANE Select); coding-DNA position 4418, C replaced by T.
Protein change: p.Ala1473Val; replaces alanine 1473 with valine.
Molecular consequence: missense variant.
Genome position (GRCh38, 1-based): chrX:49,210,657, G>A on the plus strand (C>T on the coding strand, the complement: CACNA1F is on the minus strand). VCF-style: chrX-49210657-G-A. GRCh37 (hg19) VCF-style: chrX-49067117-G-A.
Other names: c.4256C>T, p.Ala1419Val (NM_001256790.3); c.4451C>T, p.Ala1484Val (NM_005183.4); short protein forms A1419V, A1473V, A1484V.
Identifiers: ClinVar variation 3700469 (VCV003700469.2).